The following is an entry in ClinVar:

ClinVar aggregate classification (germline): Uncertain significance (1 of 4 stars; one submission).

Allele frequency attached by ClinVar (database versions not stated): gnomAD exomes 0.00001.
gnomAD v4.1: 7 of 1,573,074 alleles (0.00044%); highest among the groups gnomAD compares: Non-Finnish European, 0.0006%; no homozygotes.

Submission:

Women's Health and Genetics/Laboratory Corporation of America, LabCorp
Classification: Uncertain significance. Last evaluated: 2023-12-01. Review status: criteria provided, single submitter. Criteria: LabCorp Variant Classification Summary - May 2015. Collection method: clinical testing. Allele origin: germline.
Comment: Variant summary: IFITM5 c.94C>T (p.Pro32Ser) results in a non-conservative amino acid change in the encoded protein sequence. Four of five in-silico tools predict a benign effect of the variant on protein function. The variant was absent in 182346 control chromosomes (gnomAD). The available data on variant occurrences in the general population are insufficient to allow any conclusion about variant significance. To our knowledge, no occurrence of c.94C>T in individuals affected with Osteogenesis Imperfecta Type 5 and no experimental evidence demonstrating its impact on protein function have been reported. No submitters have cited clinical-significance assessments for this variant to ClinVar after 2014. Based on the evidence outlined above, the variant was classified as uncertain significance.

NM_001025295.3(IFITM5):c.94C>T (p.Pro32Ser)

Gene: IFITM5 (interferon induced transmembrane protein 5; minus strand). Cytogenetic location: 11p15.5.
Variant type: single nucleotide variant.
Coding change: c.94C>T on transcript NM_001025295.3 (MANE Select); coding-DNA position 94, C replaced by T.
Protein change: p.Pro32Ser; replaces proline 32 with serine.
Molecular consequence: missense variant.
Genome position (GRCh38, 1-based): chr11:299,397, G>A on the plus strand (C>T on the coding strand, the complement: IFITM5 is on the minus strand). VCF-style: chr11-299397-G-A. GRCh37 (hg19) VCF-style: chr11-299397-G-A.
Other names: short protein forms P32S.
Identifiers: ClinVar variation 2691489 (VCV002691489.1), dbSNP rs1454218136, ClinGen allele CA378890914.